The following is an entry in ClinVar:

ClinVar aggregate classification (germline): Uncertain significance (1 of 4 stars; one submission).

Conditions:
Atypical hemolytic-uremic syndrome. Identifiers: Orphanet 2134, MedGen C2931788, MONDO:0016244.
Basal laminar drusen. Also called: DRUSEN OF BRUCH MEMBRANE; DRUSEN, CUTICULAR; DRUSEN, EARLY ADULT-ONSET, GROUPED. Identifiers: Orphanet 75376, MedGen C0730295, MONDO:0007472, OMIM 126700.
Factor H deficiency (CFHD). Also called: COMPLEMENT FACTOR H DEFICIENCY; CFH DEFICIENCY. Identifiers: Orphanet 200421, MedGen C0398777, MONDO:0012350, OMIM 609814.
Age related macular degeneration 4. Identifiers: MedGen C1853147, MONDO:0012540, OMIM 610698.

Submission:

Genomenon, Inc
Classification: Uncertain significance for Basal laminar drusen; Age related macular degeneration 4; Atypical hemolytic-uremic syndrome; Factor H deficiency. Last evaluated: 2025-10-02. Review status: criteria provided, single submitter. Criteria: Genomenon Sequence Variant Interpretation Standards - Updated. Collection method: curation. Allele origin: germline. Affected: no.
Comment: CFH p.His371Tyr (c.1111C>T) is a missense variant that changes the amino acid at residue 371 from Histidine to Tyrosine. This variant has been reported in the published literature (PMID:19273554;30510105). It is absent or not present at a significant frequency in gnomAD. In silico models agree that this variant is not damaging. In conclusion, we classify CFH p.His371Tyr (c.1111C>T) as a variant of uncertain significance.

Literature cited by the submitters: PubMed 19273554; PubMed 30510105.

NM_000186.4(CFH):c.1111C>T (p.His371Tyr)

Gene: CFH (complement factor H; plus strand). Cytogenetic location: 1q31.3.
Variant type: single nucleotide variant.
Coding change: c.1111C>T on transcript NM_000186.4 (MANE Select); coding-DNA position 1111, C replaced by T.
Protein change: p.His371Tyr; replaces histidine 371 with tyrosine.
Molecular consequence: missense variant.
Genome position (GRCh38, 1-based): chr1:196,689,566, C>T. VCF-style: chr1-196689566-C-T. GRCh37 (hg19) VCF-style: chr1-196658696-C-T.
Other names: c.1111C>T, p.His371Tyr (NM_001014975.3); short protein forms H371Y.
Identifiers: ClinVar variation 4291360 (VCV004291360.1).